The following is an entry in ClinVar:

ClinVar aggregate classification (germline): Uncertain significance (1 of 4 stars; one submission).

Conditions:
Inborn genetic diseases. Identifiers: MedGen C0950123, MeSH D030342.

Submission:

Ambry Genetics
Classification: Uncertain significance for Inborn genetic diseases. Last evaluated: 2025-07-04. Review status: criteria provided, single submitter. Criteria: Ambry Variant Classification Scheme 2023. Collection method: clinical testing. Allele origin: germline.
Comment: The p.K1556T variant (also known as c.4667A>C), located in coding exon 31 of the ANKRD26 gene, results from an A to C substitution at nucleotide position 4667. The lysine at codon 1556 is replaced by threonine, an amino acid with similar properties. This amino acid position is conserved. In addition, this alteration is predicted to be tolerated by in silico analysis. Based on the available evidence, the clinical significance of this variant remains unclear.

NM_014915.3(ANKRD26):c.4667A>C (p.Lys1556Thr)

Gene: ANKRD26 (ankyrin repeat domain containing 26; minus strand). Cytogenetic location: 10p12.1.
Variant type: single nucleotide variant.
Coding change: c.4667A>C on transcript NM_014915.3 (MANE Select); coding-DNA position 4667, A replaced by C.
Protein change: p.Lys1556Thr; replaces lysine 1556 with threonine.
Molecular consequence: missense variant.
Genome position (GRCh38, 1-based): chr10:27,014,551, T>G on the plus strand (A>C on the coding strand, the complement: ANKRD26 is on the minus strand). VCF-style: chr10-27014551-T-G. GRCh37 (hg19) VCF-style: chr10-27303480-T-G.
Other names: c.4664A>C, p.Lys1555Thr (NM_001256053.2); short protein forms K1556T, K1555T.
Identifiers: ClinVar variation 4103272 (VCV004103272.1).